The following is an entry in ClinVar:

ClinVar aggregate classification (germline): Uncertain significance (1 of 4 stars; one submission).

Submission:

GeneDx
Classification: Uncertain significance. Last evaluated: 2023-10-18. Review status: criteria provided, single submitter. Criteria: GeneDx Variant Classification Process June 2021. Collection method: clinical testing. Allele origin: germline. Affected: yes.
Comment: Not observed at significant frequency in large population cohorts (gnomAD); In silico analysis supports that this missense variant has a deleterious effect on protein structure/function; Has not been previously published as pathogenic or benign to our knowledge

NM_001127222.2(CACNA1A):c.5405T>C (p.Leu1802Pro)

Gene: CACNA1A (calcium voltage-gated channel subunit alpha1 A; minus strand). Cytogenetic location: 19p13.13.
Variant type: single nucleotide variant.
Coding change: c.5405T>C on transcript NM_001127222.2 (MANE Select); coding-DNA position 5405, T replaced by C.
Protein change: p.Leu1802Pro; replaces leucine 1802 with proline.
Molecular consequence: missense variant.
Genome position (GRCh38, 1-based): chr19:13,230,205, A>G on the plus strand (T>C on the coding strand, the complement: CACNA1A is on the minus strand). VCF-style: chr19-13230205-A-G. GRCh37 (hg19) VCF-style: chr19-13341019-A-G.
Other names: c.5423T>C, p.Leu1808Pro (NM_000068.4, NM_023035.3); c.5408T>C, p.Leu1803Pro (NM_001127221.2); c.5414T>C, p.Leu1805Pro (NM_001174080.2); short protein forms L1802P, L1803P, L1805P, L1808P.
Identifiers: ClinVar variation 3366197 (VCV003366197.1).